The following is an entry in ClinVar:

ClinVar aggregate classification (germline): Benign (1 of 4 stars; one submission).

gnomAD v4.1: 3,538 of 864,394 alleles (0.41%); highest among the groups gnomAD compares: South Asian, 1.4%; 16 homozygotes.

Submission:

Women's Health and Genetics/Laboratory Corporation of America, LabCorp
Classification: Benign. Last evaluated: 2026-02-12. Review status: criteria provided, single submitter. Criteria: LabCorp Variant Classification Summary - May 2015. Collection method: clinical testing. Allele origin: germline.
Comment: Variant summary: RNU7-1 n.-6A>G is located in the 5' region upstream of the RNU7-1 gene. The variant allele was found at a frequency of 0.0041 in 864394 control chromosomes, predominantly at a frequency of 0.014 within the South Asian subpopulation in the gnomAD database, including 9 homozygotes. The observed variant frequency within South Asian control individuals in the gnomAD database exceeds the estimated maximal expected allele frequency for disease-causing variants in RNU7-1. To our knowledge, no occurrence of n.-6A>G in individuals affected with RNU7-1-related conditions and no experimental evidence demonstrating its impact on protein function have been reported. No submitters have cited clinical-significance assessments for this variant to ClinVar. Based on the evidence outlined above, the variant was classified as benign.

NC_000012.12:g.6943810A>G

Genes: C12orf57 (chromosome 12 open reading frame 57; plus strand), RNU7-1 (RNA, U7 small nuclear 1; plus strand). Cytogenetic location: 12p13.31.
Variant type: single nucleotide variant.
Molecular consequence: intron variant (on NM_001301836.2).
Genome position: GRCh38 VCF-style: chr12-6943810-A-G. GRCh37 (hg19) VCF-style: chr12-7052973-A-G.
Other names: c.13+148A>G (NM_001301836.2); c.-16+148A>G (NM_001301834.1).
Identifiers: ClinVar variation 4847868 (VCV004847868.1).